The following is an entry in ClinVar:

ClinVar aggregate classification (germline): Pathogenic (1 of 4 stars; one submission).

Conditions:
Hereditary breast ovarian cancer syndrome. Also called: Hereditary breast and ovarian cancer; Hereditary breast and/or ovarian cancer syndrome; Hereditary breast and ovarian cancer syndrome; Hereditary breast and ovarian cancer syndrome (HBOC); BRCA1- and BRCA2-Associated Hereditary Breast and Ovarian Cancer; Breast and ovarian cancer. Identifiers: Orphanet 145, MedGen C0677776, MeSH D061325, MONDO:0003582. Disease mechanism: loss of function.

Submission:

Labcorp Genetics (formerly Invitae), Labcorp
Classification: Pathogenic for Hereditary breast ovarian cancer syndrome. Last evaluated: 2019-06-19. Review status: criteria provided, single submitter. Criteria: Invitae Variant Classification Sherloc (09022015). Collection method: clinical testing. Allele origin: germline.
Comment: This variant has not been reported in the literature in individuals with BRCA2-related conditions. This sequence change creates a premature translational stop signal (p.Ser1744Valfs*2) in the BRCA2 gene. It is expected to result in an absent or disrupted protein product. This variant is not present in population databases (ExAC no frequency). Loss-of-function variants in BRCA2 are known to be pathogenic (PMID: 20104584). For these reasons, this variant has been classified as Pathogenic.

Literature cited by the submitters: PubMed 20104584.

NM_000059.4(BRCA2):c.5230_5234del (p.Ser1744fs)

Gene: BRCA2 (BRCA2 DNA repair associated; plus strand). Cytogenetic location: 13q13.1.
Variant type: Deletion.
Coding change: c.5230_5234del on transcript NM_000059.4 (MANE Select); coding-DNA positions 5230 to 5234, 5 bases deleted (AGCAT; older notation c.5230_5234delAGCAT).
Protein change: p.Ser1744fs; shifts the reading frame from serine 1744.
Molecular consequence: frameshift variant.
Genome position (GRCh38, 1-based): chr13:32,339,585-32,339,589, AGCAT deleted; deleting any 5 consecutive bases within chr13:32,339,584-32,339,589 gives the same sequence; the c. name uses the placement nearest the transcript's 3' end. VCF-style (leftmost placement, unchanged base first): chr13-32339583-GTAGCA-G. GRCh37 (hg19) VCF-style: chr13-32913720-GTAGCA-G.
Other names: short protein forms S1744fs.
Identifiers: ClinVar variation 950922 (VCV000950922.8), dbSNP rs2072524440, ClinGen allele CA1139663218.